The following is an entry in ClinVar:

ClinVar aggregate classification (germline): Uncertain significance (1 of 4 stars; one submission).

Conditions:
Long QT syndrome (LQTS). Identifiers: MedGen C0023976, MeSH D008133, MONDO:0002442. Disease mechanism: loss of function. Inheritance: Various modes of inheritance.

Submission:

Labcorp Genetics (formerly Invitae), Labcorp
Classification: Uncertain significance for Long QT syndrome. Last evaluated: 2019-08-31. Review status: criteria provided, single submitter. Criteria: Invitae Variant Classification Sherloc (09022015). Collection method: clinical testing. Allele origin: germline.
Comment: This sequence change replaces alanine with valine at codon 1861 of the ANK2 protein (p.Ala1861Val). The alanine residue is weakly conserved and there is a small physicochemical difference between alanine and valine. This variant is not present in population databases (ExAC no frequency). In summary, the available evidence is currently insufficient to determine the role of this variant in disease. Therefore, it has been classified as a Variant of Uncertain Significance. Algorithms developed to predict the effect of missense changes on protein structure and function (SIFT, PolyPhen-2, Align-GVGD) all suggest that this variant is likely to be tolerated, but these predictions have not been confirmed by published functional studies and their clinical significance is uncertain. This variant has not been reported in the literature in individuals with ANK2-related disease.

NM_001148.6(ANK2):c.5582C>T (p.Ala1861Val)

Genes: ANK2 (ankyrin 2; plus strand), LOC126807136 (MED14-independent group 3 enhancer GRCh37_chr4:114274931-114276130; plus strand). Cytogenetic location: 4q26.
Variant type: single nucleotide variant.
Coding change: c.5582C>T on transcript NM_001148.6 (MANE Select); coding-DNA position 5582, C replaced by T.
Protein change: p.Ala1861Val; replaces alanine 1861 with valine.
Molecular consequence: missense variant. On other transcripts: intron variant (68).
Genome position (GRCh38, 1-based): chr4:113,354,200, C>T. VCF-style: chr4-113354200-C-T. GRCh37 (hg19) VCF-style: chr4-114275356-C-T.
Other names: c.5348C>T, p.Ala1783Val (NM_001386142.1); c.1982C>T, p.Ala661Val (NM_001386166.1); c.5723C>T, p.Ala1908Val (NM_001386174.1); c.5699C>T, p.Ala1900Val (NM_001386175.1); c.4411+3951C>T (NM_001386186.2, NM_001386148.2); c.4213+3951C>T (NM_001354269.3); c.4291+3951C>T (NM_001386187.2); c.4252+3951C>T (NM_001386147.1); and 35 more; short protein forms A1861V, A1783V, A1900V, A1908V, A661V.
Identifiers: ClinVar variation 658634 (VCV000658634.8), dbSNP rs1588916046, ClinGen allele CA357920315.